The following is an entry in ClinVar:

NM_000701.8(ATP1A1):c.2768T>A (p.Phe923Tyr)

Genes: ATP1A1-AS1 (ATP1A1 antisense RNA 1; minus strand), ATP1A1 (ATPase Na+/K+ transporting subunit alpha 1; plus strand). Cytogenetic location: 1p13.1.
Variant type: single nucleotide variant.
Coding change: c.2768T>A on transcript NM_000701.8 (MANE Select); coding-DNA position 2768, T replaced by A.
Protein change: p.Phe923Tyr; replaces phenylalanine 923 with tyrosine.
Molecular consequence: missense variant.
Genome position (GRCh38, 1-based): chr1:116,401,179, T>A. VCF-style: chr1-116401179-T-A. GRCh37 (hg19) VCF-style: chr1-116943801-T-A.
Other names: c.2768T>A, p.Phe923Tyr (NM_001160233.2); c.2675T>A, p.Phe892Tyr (NM_001160234.2); short protein forms F892Y, F923Y.
Identifiers: ClinVar variation 1300444 (VCV001300444.3), dbSNP rs2101066445, ClinGen allele CA341775613.

ClinVar aggregate classification (germline): Likely pathogenic (1 of 4 stars; one submission).

Submission:

GeneDx
Classification: Likely pathogenic. Last evaluated: 2026-01-09. Review status: criteria provided, single submitter. Criteria: GeneDx Variant Classification Process June 2021. Collection method: clinical testing. Allele origin: germline. Affected: yes.
Comment: Not observed at significant frequency in large population cohorts (gnomAD); In silico analysis supports that this missense variant has a deleterious effect on protein structure/function; This variant is associated with the following publications: (PMID: 35110381, 38504481)